The following is an entry in ClinVar:

ClinVar aggregate classification (germline): Uncertain significance. Review status: criteria provided, multiple submitters, no conflicts (2 of 4 stars). 2 submissions from 2 submitters: Uncertain significance (2). Last evaluated 2025-12-09.

Conditions:
Inborn genetic diseases. Identifiers: MedGen C0950123, MeSH D030342.
Hereditary sensory and autonomic neuropathy type 7. Also called: HSAN VII; Neuropathy, hereditary sensory and autonomic, type VII. Identifiers: Orphanet 391397, MedGen C3809882, MONDO:0014244, OMIM 615548.
Familial episodic pain syndrome with predominantly lower limb involvement. Also called: Episodic pain syndrome, familial, 3. Identifiers: Orphanet 391384, Orphanet 391392, MedGen C3809899, MONDO:0014247, OMIM 615552.

Allele frequency attached by ClinVar (database versions not stated): gnomAD exomes 0.00001; TOPMed 0.00001.
gnomAD v4.1: 3 of 1,613,010 alleles (0.00019%); highest among the groups gnomAD compares: Non-Finnish European, 0.00025%; no homozygotes.

Submissions (2):

Labcorp Genetics (formerly Invitae), Labcorp
Classification: Uncertain significance for Familial episodic pain syndrome with predominantly lower limb involvement; Hereditary sensory and autonomic neuropathy type 7. Last evaluated: 2025-12-09. Review status: criteria provided, single submitter. Criteria: Invitae Variant Classification Sherloc (09022015). Collection method: clinical testing. Allele origin: germline.
Comment: This sequence change replaces cysteine, which is neutral and slightly polar, with phenylalanine, which is neutral and non-polar, at codon 1207 of the SCN11A protein (p.Cys1207Phe). This variant is not present in population databases (gnomAD no frequency). This variant has not been reported in the literature in individuals affected with SCN11A-related conditions. ClinVar contains an entry for this variant (Variation ID: 582465). Invitae Evidence Modeling of protein sequence and biophysical properties (such as structural, functional, and spatial information, amino acid conservation, physicochemical variation, residue mobility, and thermodynamic stability) indicates that this missense variant is expected to disrupt SCN11A protein function with a positive predictive value of 80%. In summary, the available evidence is currently insufficient to determine the role of this variant in disease. Therefore, it has been classified as a Variant of Uncertain Significance.

Ambry Genetics
Classification: Uncertain significance for Inborn genetic diseases. Last evaluated: 2025-10-28. Review status: criteria provided, single submitter. Criteria: Ambry Variant Classification Scheme 2023. Collection method: clinical testing. Allele origin: germline.

NM_001349253.2(SCN11A):c.3620G>T (p.Cys1207Phe)

Genes: SCN11A (sodium voltage-gated channel alpha subunit 11; minus strand), LOC126806652 (CDK7 strongly-dependent group 2 enhancer GRCh37_chr3:38912374-38913573; plus strand). Cytogenetic location: 3p22.2.
Variant type: single nucleotide variant.
Coding change: c.3620G>T on transcript NM_001349253.2 (MANE Select); coding-DNA position 3620, G replaced by T.
Protein change: p.Cys1207Phe; replaces cysteine 1207 with phenylalanine.
Molecular consequence: missense variant.
Genome position (GRCh38, 1-based): chr3:38,871,584, C>A on the plus strand (G>T on the coding strand, the complement: SCN11A is on the minus strand). VCF-style: chr3-38871584-C-A. GRCh37 (hg19) VCF-style: chr3-38913075-C-A.
Other names: c.3620G>T, p.Cys1207Phe (NM_014139.3); short protein forms C1207F.
Identifiers: ClinVar variation 582465 (VCV000582465.7), dbSNP rs904970580, ClinGen allele CA72979751.